The following is an entry in ClinVar:

ClinVar aggregate classification (germline): Likely pathogenic (0 of 4 stars; one submission).

Conditions:
Usher syndrome type 2C. Also called: USHER SYNDROME, TYPE IIC; Usher syndrome, type 2B. Identifiers: Orphanet 231178, Orphanet 886, MedGen C2931213, MONDO:0011558, OMIM 605472.

Submission:

Department of Ophthalmology and Visual Sciences Kyoto University
Classification: Likely pathogenic for Usher syndrome, type 2C. Review status: no assertion criteria provided. Collection method: not provided. Allele origin: unknown.
ClinVar note: Converted during submission from probable-pathogenic to Likely pathogenic.

NM_032119.4(ADGRV1):c.12403+1G>T

Gene: ADGRV1 (adhesion G protein-coupled receptor V1; plus strand). Cytogenetic location: 5q14.3.
Variant type: single nucleotide variant.
Coding change: c.12403+1G>T on transcript NM_032119.4 (MANE Select); the canonical splice donor site of the intron after coding-DNA position 12403, G replaced by T.
Molecular consequence: splice donor variant.
Genome position (GRCh38, 1-based): chr5:90,774,304, G>T. VCF-style: chr5-90774304-G-T. GRCh37 (hg19) VCF-style: chr5-90070121-G-T.
Identifiers: ClinVar variation 143158 (VCV000143158.2), dbSNP rs527236132, ClinGen allele CA270123.